The following is an entry in ClinVar:

NM_025137.4(SPG11):c.6406A>C (p.Ile2136Leu)

Gene: SPG11 (SPG11 vesicle trafficking associated, spatacsin; minus strand). Cytogenetic location: 15q21.1.
Variant type: single nucleotide variant.
Coding change: c.6406A>C on transcript NM_025137.4 (MANE Select); coding-DNA position 6406, A replaced by C.
Protein change: p.Ile2136Leu; replaces isoleucine 2136 with leucine.
Molecular consequence: missense variant.
Genome position (GRCh38, 1-based): chr15:44,570,596, T>G on the plus strand (A>C on the coding strand, the complement: SPG11 is on the minus strand). VCF-style: chr15-44570596-T-G. GRCh37 (hg19) VCF-style: chr15-44862794-T-G.
Other names: c.6067A>C, p.Ile2023Leu (NM_001160227.2); c.6262A>C, p.Ile2088Leu (NM_001411132.1); short protein forms I2023L, I2136L, I2088L.
Identifiers: ClinVar variation 1990739 (VCV001990739.1), dbSNP rs370189964, ClinGen allele CA392216375.

ClinVar aggregate classification (germline): Uncertain significance (1 of 4 stars; one submission).

Conditions:
Hereditary spastic paraplegia 11. Also called: SPASTIC PARAPLEGIA, AUTOSOMAL RECESSIVE, COMPLICATED, WITH THIN CORPUS CALLOSUM; SPASTIC PARAPLEGIA, AUTOSOMAL RECESSIVE, WITH MENTAL IMPAIRMENT AND THIN CORPUS CALLOSUM; Spastic Paraplegia 11; Spastic paraplegia, mental retardation and thin corpus callosum; Nakamura Osame syndrome; Autosomal recessive hereditary spastic paraplegia, mental impairment, and thin corpus callosum. Identifiers: Orphanet 2822, MedGen C1858479, MONDO:0011445, OMIM 604360.

Submission:

Labcorp Genetics (formerly Invitae), Labcorp
Classification: Uncertain significance for Hereditary spastic paraplegia 11. Last evaluated: 2021-12-24. Review status: criteria provided, single submitter. Criteria: Invitae Variant Classification Sherloc (09022015). Collection method: clinical testing. Allele origin: germline.
Comment: This sequence change replaces isoleucine, which is neutral and non-polar, with leucine, which is neutral and non-polar, at codon 2136 of the SPG11 protein (p.Ile2136Leu). This variant is not present in population databases (gnomAD no frequency). This variant has not been reported in the literature in individuals affected with SPG11-related conditions. Algorithms developed to predict the effect of missense changes on protein structure and function (SIFT, PolyPhen-2, Align-GVGD) all suggest that this variant is likely to be tolerated. In summary, the available evidence is currently insufficient to determine the role of this variant in disease. Therefore, it has been classified as a Variant of Uncertain Significance.